The following is an entry in ClinVar:

ClinVar aggregate classification (germline): Benign/Likely benign. Review status: criteria provided, multiple submitters, no conflicts (2 of 4 stars). 4 submissions from 4 submitters: Benign (1); Likely benign (2). 1 of the submissions does not count toward it. Last evaluated 2026-09-01.

Conditions:
HERC1-related disorder. Also called: HERC1-related condition.

Allele frequency attached by ClinVar (database versions not stated): gnomAD exomes 0.00018 and 0.00040; ExAC 0.00051; gnomAD 0.00143 and 0.00151; TOPMed 0.00184; 1000 Genomes Project 0.00200; 1000 Genomes Project 30x 0.00219; ESP Exome Variant Server 0.00229.
gnomAD v4.1: 486 of 1,613,676 alleles (0.03%); highest among the groups gnomAD compares: African/African-American, 0.56%; 1 homozygote.

Submissions (4):

CeGaT Center for Human Genetics Tuebingen
Classification: Likely benign. Last evaluated: 2026-09-01. Review status: criteria provided, single submitter. Criteria: CeGaT Center For Human Genetics Tuebingen Variant Classification Criteria Version 2. Collection method: clinical testing. Allele origin: germline. Affected: yes. Observed: 4 variant alleles.
Comment: HERC1: BP4, BP7

Labcorp Genetics (formerly Invitae), Labcorp
Classification: Benign. Last evaluated: 2025-12-23. Review status: criteria provided, single submitter. Criteria: Invitae Variant Classification Sherloc (09022015). Collection method: clinical testing. Allele origin: germline.

Blueprint Genetics
Classification: Likely benign. Last evaluated: 2023-11-27. Review status: criteria provided, single submitter. Criteria: ACMG Guidelines, 2015. Collection method: clinical testing. Allele origin: germline.

PreventionGenetics, part of Exact Sciences
Classification: Likely benign for HERC1-related condition. Last evaluated: 2019-06-04. Review status: no assertion criteria provided. Collection method: clinical testing. Allele origin: germline. Not counted in ClinVar's aggregate classification.
Comment: This variant is classified as likely benign based on ACMG/AMP sequence variant interpretation guidelines (Richards et al. 2015 PMID: 25741868, with internal and published modifications).

NM_003922.4(HERC1):c.6159C>T (p.His2053=)

Gene: HERC1 (HECT and RLD domain containing E3 ubiquitin protein ligase family member 1; minus strand). Cytogenetic location: 15q22.31.
Variant type: single nucleotide variant.
Coding change: c.6159C>T on transcript NM_003922.4 (MANE Select); coding-DNA position 6159, C replaced by T.
Protein change: p.His2053=; no amino-acid change (histidine 2053 retained).
Molecular consequence: synonymous variant.
Genome position (GRCh38, 1-based): chr15:63,686,425, G>A on the plus strand (C>T on the coding strand, the complement: HERC1 is on the minus strand). VCF-style: chr15-63686425-G-A. GRCh37 (hg19) VCF-style: chr15-63978624-G-A.
Identifiers: ClinVar variation 712842 (VCV000712842.34), dbSNP rs115606097, ClinGen allele CA7605378.